The following is an entry in ClinVar:

ClinVar aggregate classification (germline): Likely pathogenic. Review status: criteria provided, multiple submitters, no conflicts (2 of 4 stars). 2 submissions from 2 submitters: Likely pathogenic (2). Last evaluated 2025-11-07.

Conditions:
ZNF292-related disorder. Also called: ZNF292-related condition.
Intellectual developmental disorder, autosomal dominant 64. Also called: MENTAL RETARDATION, AUTOSOMAL DOMINANT 64. Identifiers: MedGen C5543067, MONDO:0030934, OMIM 619188.

Submissions (2):

Greenwood Genetic Center Diagnostic Laboratories, Greenwood Genetic Center
Classification: Likely pathogenic for Intellectual developmental disorder, autosomal dominant 64. Last evaluated: 2025-11-07. Review status: criteria provided, single submitter. Criteria: ACMG Guidelines, 2015. Collection method: clinical testing. Allele origin: germline. Affected: yes.
Comment: PVS1_Strong, PM2

Blueprint Genetics
Classification: Likely pathogenic for ZNF292-related disorders. Last evaluated: 2019-11-14. Review status: criteria provided, single submitter. Criteria: ACMG Guidelines, 2015. Collection method: clinical testing. Allele origin: germline. Affected: yes. Observed: 1 variant allele.

NM_015021.3(ZNF292):c.6284_6287del (p.Lys2095fs)

Gene: ZNF292 (zinc finger protein 292; plus strand). Cytogenetic location: 6q14.3.
Variant type: Deletion.
Coding change: c.6284_6287del on transcript NM_015021.3 (MANE Select); coding-DNA positions 6284 to 6287, 4 bases deleted (AGAA; older notation c.6284_6287delAGAA).
Protein change: p.Lys2095fs; shifts the reading frame from lysine 2095.
Molecular consequence: frameshift variant.
Genome position (GRCh38, 1-based): chr6:87,259,913-87,259,916, AGAA deleted; deleting any 4 consecutive bases within chr6:87,259,910-87,259,916 gives the same sequence; the c. name uses the placement nearest the transcript's 3' end. VCF-style (leftmost placement, unchanged base first): chr6-87259909-CGAAA-C. GRCh37 (hg19) VCF-style: chr6-87969627-CGAAA-C.
Other names: c.5864_5867del, p.Lys1955fs (NM_001351444.2); short protein forms K1955fs, K2095fs.
Identifiers: ClinVar variation 4845446 (VCV004845446.2).